The following is an entry in ClinVar:

NM_001374736.1(DST):c.14301G>A (p.Glu4767=)

Gene: DST (dystonin; minus strand). Cytogenetic location: 6p12.1.
Variant type: single nucleotide variant.
Coding change: c.14301G>A on transcript NM_001374736.1 (MANE Select); coding-DNA position 14301, G replaced by A.
Protein change: p.Glu4767=; no amino-acid change (glutamic acid 4767 retained).
Molecular consequence: synonymous variant.
Genome position (GRCh38, 1-based): chr6:56,561,317, C>T on the plus strand (G>A on the coding strand, the complement: DST is on the minus strand). VCF-style: chr6-56561317-C-T. GRCh37 (hg19) VCF-style: chr6-56426115-C-T.
Other names: c.7944G>A, p.Glu2648= (NM_001144769.5); c.7530G>A, p.Glu2510= (NM_001144770.2); c.14301G>A, p.Glu4767= (NM_001374722.1); c.13668G>A, p.Glu4556= (NM_001374729.1); c.7410G>A, p.Glu2470= (NM_001374730.1, NM_001386100.1, NM_183380.4); c.14328G>A, p.Glu4776= (NM_001374734.1); c.6432G>A, p.Glu2144= (NM_015548.5).
Identifiers: ClinVar variation 2153786 (VCV002153786.4), dbSNP rs2535507360, ClinGen allele CA450619953.

ClinVar aggregate classification (germline): Uncertain significance (1 of 4 stars; one submission).

Conditions:
Hereditary sensory and autonomic neuropathy type 6. Also called: HSAN VI; Neuropathy, hereditary sensory and autonomic, type VI. Identifiers: Orphanet 314381, MedGen C3539003, MONDO:0013839, OMIM 614653.
Epidermolysis bullosa simplex 3, localized or generalized intermediate, with BP230 deficiency (EBS3). Also called: Epidermolysis bullosa simplex due to BP230 deficiency; Epidermolysis bullosa simplex, autosomal recessive 2. Identifiers: Orphanet 412181, MedGen C3809470, MONDO:0014180, OMIM 615425.

Allele frequency attached by ClinVar (database versions not stated): gnomAD exomes below 0.00001.
gnomAD v4.1: 2 of 1,612,502 alleles (0.00012%); highest among the groups gnomAD compares: Non-Finnish European, 0.00017%; no homozygotes.

Submission:

Labcorp Genetics (formerly Invitae), Labcorp
Classification: Uncertain significance for Epidermolysis bullosa simplex 3, localized or generalized intermediate, with BP230 deficiency; Hereditary sensory and autonomic neuropathy type 6. Last evaluated: 2022-07-27. Review status: criteria provided, single submitter. Criteria: Invitae Variant Classification Sherloc (09022015). Collection method: clinical testing. Allele origin: germline.
Comment: The DST gene has multiple clinically relevant transcripts. This variant occurs in alternate transcript NM_015548.4, and corresponds to NM_001723.5:c.*54200G>A in the primary transcript. This sequence change affects codon 2144 of the DST mRNA. It is a 'silent' change, meaning that it does not change the encoded amino acid sequence of the DST protein. This variant is not present in population databases (gnomAD no frequency). This variant has not been reported in the literature in individuals affected with DST-related conditions. Experimental studies and prediction algorithms are not available or were not evaluated, and the effect of this variant on mRNA splicing is currently unknown. In summary, the available evidence is currently insufficient to determine the role of this variant in disease. Therefore, it has been classified as a Variant of Uncertain Significance.